The following is an entry in ClinVar:

NM_018089.3(ANKZF1):c.1501G>T (p.Ala501Ser)

Gene: ANKZF1 (ankyrin repeat and zinc finger peptidyl tRNA hydrolase 1; plus strand). Cytogenetic location: 2q35.
Variant type: single nucleotide variant.
Coding change: c.1501G>T on transcript NM_018089.3 (MANE Select); coding-DNA position 1501, G replaced by T.
Protein change: p.Ala501Ser; replaces alanine 501 with serine.
Molecular consequence: missense variant.
Genome position (GRCh38, 1-based): chr2:219,235,122, G>T. VCF-style: chr2-219235122-G-T. GRCh37 (hg19) VCF-style: chr2-220099844-G-T.
Other names: c.1501G>T, p.Ala501Ser (NM_001042410.2); c.871G>T, p.Ala291Ser (NM_001282792.2); short protein forms A501S, A291S.
Identifiers: ClinVar variation 4767845 (VCV004767845.1).

ClinVar aggregate classification (germline): Uncertain significance (1 of 4 stars; one submission).

gnomAD v4.1: 4 of 1,614,076 alleles (0.00025%); highest among the groups gnomAD compares: Non-Finnish European, 0.00034%; no homozygotes.

Submission:

Labcorp Genetics (formerly Invitae), Labcorp
Classification: Uncertain significance. Last evaluated: 2025-10-26. Review status: criteria provided, single submitter. Criteria: Invitae Variant Classification Sherloc (09022015). Collection method: clinical testing. Allele origin: germline.
Comment: This sequence change replaces alanine, which is neutral and non-polar, with serine, which is neutral and polar, at codon 501 of the ANKZF1 protein (p.Ala501Ser). This variant is present in population databases (rs368930399, gnomAD 0.003%). This variant has not been reported in the literature in individuals affected with ANKZF1-related conditions. An algorithm developed to predict the effect of missense changes on protein structure and function (PolyPhen-2) suggests that this variant is likely to be disruptive. In summary, the available evidence is currently insufficient to determine the role of this variant in disease. Therefore, it has been classified as a Variant of Uncertain Significance.